The following is an entry in ClinVar:

NM_001367624.2(ZNF469):c.4925C>T (p.Ser1642Leu)

Gene: ZNF469 (zinc finger protein 469; plus strand). Cytogenetic location: 16q24.2.
Variant type: single nucleotide variant.
Coding change: c.4925C>T on transcript NM_001367624.2 (MANE Select); coding-DNA position 4925, C replaced by T.
Protein change: p.Ser1642Leu; replaces serine 1642 with leucine.
Molecular consequence: missense variant.
Genome position (GRCh38, 1-based): chr16:88,432,395, C>T. VCF-style: chr16-88432395-C-T. GRCh37 (hg19) VCF-style: chr16-88498803-C-T.
Other names: NM_001127464.1:c.4841C>T; short protein forms S1642L.
Identifiers: ClinVar variation 1743511 (VCV001743511.5), dbSNP rs1007534911, ClinGen allele CA286376785.

ClinVar aggregate classification (germline): Conflicting classifications of pathogenicity. Review status: criteria provided, conflicting classifications (1 of 4 stars). 2 submissions from 2 submitters: Uncertain significance (1); Likely benign (1). Last evaluated 2026-04-16.

Conditions:
Cardiovascular phenotype. Identifiers: MedGen CN230736.

Allele frequency attached by ClinVar (database versions not stated): gnomAD exomes 0.00001; TOPMed 0.00002; gnomAD 0.00003.
gnomAD v4.1: 20 of 1,549,534 alleles (0.0013%); highest among the groups gnomAD compares: African/African-American, 0.0055%; no homozygotes.

Submissions (2):

Women's Health and Genetics/Laboratory Corporation of America, LabCorp
Classification: Uncertain significance. Last evaluated: 2026-04-16. Review status: criteria provided, single submitter. Criteria: LabCorp Variant Classification Summary - May 2015. Collection method: clinical testing. Allele origin: germline.
Comment: Variant summary: ZNF469 c.4925C>T (p.Ser1642Leu) results in a non-conservative amino acid change in the encoded protein sequence. Algorithms developed to predict the effect of missense changes on protein structure and function are either unavailable or do not agree on the potential impact of this missense change. The variant allele was found at a frequency of 2e-05 in 150720 control chromosomes. The available data on variant occurrences in the general population are insufficient to allow any conclusion about variant significance. To our knowledge, no occurrence of c.4925C>T in individuals affected with ZNF469-related conditions and no experimental evidence demonstrating its impact on protein function have been reported. ClinVar contains an entry for this variant (Variation ID: 1743511). Based on the evidence outlined above, the variant was classified as uncertain significance.

Ambry Genetics
Classification: Likely benign for Cardiovascular phenotype. Last evaluated: 2025-01-03. Review status: criteria provided, single submitter. Criteria: Ambry Variant Classification Scheme 2023. Collection method: clinical testing. Allele origin: germline.